The following is an entry in ClinVar:

ClinVar aggregate classification (germline): Uncertain significance (1 of 4 stars; one submission).

Allele frequency attached by ClinVar (database versions not stated): TOPMed below 0.00001; ExAC 0.00001; gnomAD 0.00001.

Submission:

Labcorp Genetics (formerly Invitae), Labcorp
Classification: Uncertain significance. Last evaluated: 2022-06-08. Review status: criteria provided, single submitter. Criteria: Invitae Variant Classification Sherloc (09022015). Collection method: clinical testing. Allele origin: germline.
Comment: This sequence change replaces methionine, which is neutral and non-polar, with isoleucine, which is neutral and non-polar, at codon 106 of the MAK protein (p.Met106Ile). This variant is present in population databases (rs771852650, gnomAD 0.02%). This variant has not been reported in the literature in individuals affected with MAK-related conditions. Advanced modeling of protein sequence and biophysical properties (such as structural, functional, and spatial information, amino acid conservation, physicochemical variation, residue mobility, and thermodynamic stability) performed at Invitae indicates that this missense variant is not expected to disrupt MAK protein function. In summary, the available evidence is currently insufficient to determine the role of this variant in disease. Therefore, it has been classified as a Variant of Uncertain Significance.

NM_001242957.3(MAK):c.318G>A (p.Met106Ile)

Gene: MAK (male germ cell associated kinase; minus strand). Cytogenetic location: 6p24.2.
Variant type: single nucleotide variant.
Coding change: c.318G>A on transcript NM_001242957.3 (MANE Select); coding-DNA position 318, G replaced by A.
Protein change: p.Met106Ile; replaces methionine 106 with isoleucine.
Molecular consequence: missense variant. On other transcripts: non-coding transcript variant (2).
Genome position (GRCh38, 1-based): chr6:10,813,684, C>T on the plus strand (G>A on the coding strand, the complement: MAK is on the minus strand). VCF-style: chr6-10813684-C-T. GRCh37 (hg19) VCF-style: chr6-10813917-C-T.
Other names: c.318G>A, p.Met106Ile (NM_001242385.2, NM_005906.6); c.216G>A, p.Met72Ile (NM_001377262.1); short protein forms M106I, M72I.
Identifiers: ClinVar variation 2072024 (VCV002072024.1), dbSNP rs771852650, ClinGen allele CA3633756.
Genomic context (GRCh38, chr6:10,813,684, plus strand): 5'-TAAACTTAAAAGAAACCTACCATGTTTATGGATAAAAGCCAGCCCTTGCAATATTTGATA[C>T]ATAATATTTCTGATGACTGATTCAGGGAACAACTTGTTTCTGTAAAGAAATGAACAGTCA-3'
Protein context (NP_001229886.1, residues 96-116): LFPESVIRNI[Met106Ile]YQILQGLAFI